The following is an entry in ClinVar:

NM_001144967.3(NEDD4L):c.842A>T (p.Asn281Ile)

Gene: NEDD4L (NEDD4 like E3 ubiquitin protein ligase; plus strand). Cytogenetic location: 18q21.31.
Variant type: single nucleotide variant.
Coding change: c.842A>T on transcript NM_001144967.3 (MANE Select); coding-DNA position 842, A replaced by T.
Protein change: p.Asn281Ile; replaces asparagine 281 with isoleucine.
Molecular consequence: missense variant.
Genome position (GRCh38, 1-based): chr18:58,330,766, A>T. VCF-style: chr18-58330766-A-T. GRCh37 (hg19) VCF-style: chr18-55997998-A-T.
Other names: c.842A>T (NM_001144967.2, NM_015277.5); c.479A>T, p.Asn160Ile (NM_001144964.1, NM_001144965.2, NM_001144966.3 and 2 more transcripts); c.818A>T, p.Asn273Ile (NM_001144968.2, NM_001144969.2); c.842A>T, p.Asn281Ile (NM_001243960.2, NM_015277.6); short protein forms N160I, N273I, N281I.
Identifiers: ClinVar variation 1139597 (VCV001139597.12), dbSNP rs549070916, ClinGen allele CA8975498.

ClinVar aggregate classification (germline): Likely benign. Review status: criteria provided, multiple submitters, no conflicts (2 of 4 stars). 3 submissions from 3 submitters: Likely benign (2). 1 of the submissions does not count toward it. Last evaluated 2025-09-27.

Conditions:
Inborn genetic diseases. Identifiers: MedGen C0950123, MeSH D030342.
NEDD4L-related disorder. Also called: NEDD4L-related condition.

Allele frequency attached by ClinVar (database versions not stated): gnomAD 0.00001 and 0.00002; ExAC 0.00006; gnomAD exomes 0.00007; 1000 Genomes Project 30x 0.00031; 1000 Genomes Project 0.00040.
gnomAD v4.1: 24 of 1,607,086 alleles (0.0015%); highest among the groups gnomAD compares: East Asian, 0.049%; no homozygotes.

Submissions (3):

Labcorp Genetics (formerly Invitae), Labcorp
Classification: Likely benign. Last evaluated: 2025-09-27. Review status: criteria provided, single submitter. Criteria: Invitae Variant Classification Sherloc (09022015). Collection method: clinical testing. Allele origin: germline.

Ambry Genetics
Classification: Likely benign for Inborn genetic diseases. Last evaluated: 2025-09-01. Review status: criteria provided, single submitter. Criteria: Ambry Variant Classification Scheme 2023. Collection method: clinical testing. Allele origin: germline.

PreventionGenetics, part of Exact Sciences
Classification: Likely benign for NEDD4L-related condition. Last evaluated: 2022-09-08. Review status: no assertion criteria provided. Collection method: clinical testing. Allele origin: germline. Not counted in ClinVar's aggregate classification.
Comment: This variant is classified as likely benign based on ACMG/AMP sequence variant interpretation guidelines (Richards et al. 2015 PMID: 25741868, with internal and published modifications).